The following is an entry in ClinVar:

NM_000384.3(APOB):c.1922A>G (p.Lys641Arg)

Gene: APOB (apolipoprotein B; minus strand). Cytogenetic location: 2p24.1.
Variant type: single nucleotide variant.
Coding change: c.1922A>G on transcript NM_000384.3 (MANE Select); coding-DNA position 1922, A replaced by G.
Protein change: p.Lys641Arg; replaces lysine 641 with arginine.
Molecular consequence: missense variant.
Genome position (GRCh38, 1-based): chr2:21,027,973, T>C on the plus strand (A>G on the coding strand, the complement: APOB is on the minus strand). VCF-style: chr2-21027973-T-C. GRCh37 (hg19) VCF-style: chr2-21250845-T-C.
Other names: short protein forms K641R.
Identifiers: ClinVar variation 2931635 (VCV002931635.4), dbSNP rs773339611, ClinGen allele CA054897.
Genomic context (GRCh38, chr2:21,027,973, plus strand): 5'-AATATAAGATTCCCTTCTATTTTGGCTGAGGCTGGGTCAAGTGATGGAAGAGAAACAGAT[T>C]TGTAGAGTTGATAGTTCCGAGAGAATTTTCTGAAGTCCATGACAGTTGGAAGTTGAGATT-3'
Protein context (NP_000375.3, residues 631-651): RKFSRNYQLY[Lys641Arg]SVSLPSLDPA

ClinVar aggregate classification (germline): Conflicting classifications of pathogenicity. Review status: criteria provided, conflicting classifications (1 of 4 stars). 2 submissions from 2 submitters: Uncertain significance (1); Likely benign (1). Last evaluated 2024-04-05.

Conditions:
Cardiovascular phenotype. Identifiers: MedGen CN230736.
Familial hypobetalipoproteinemia 1. Also called: APOB-Related Familial Hypobetalipoproteinemia; Hypobetalipoproteinemia, normotriglyceridemic; Acanthocytosis with hypobetalipoproteinemia. Identifiers: MedGen C4551990, MONDO:0014252, OMIM 615558.
Hypercholesterolemia, autosomal dominant, type B (FHCL2). Also called: Familial Hypercholesterolemia Type B; APOLIPOPROTEIN B-100, FAMILIAL DEFECTIVE; APOLIPOPROTEIN B-100, FAMILIAL LIGAND-DEFECTIVE; HYPERCHOLESTEROLEMIA, FAMILIAL, DUE TO LIGAND-DEFECTIVE APOLIPOPROTEIN B; Hyperlipoproteinemia Type IIb; Familial hypercholesterolemia 2. Identifiers: MedGen C1704417, MONDO:0007751, OMIM 144010.

Allele frequency attached by ClinVar (database versions not stated): ExAC 0.00002; gnomAD exomes 0.00002 and 0.00004; TOPMed 0.00003; gnomAD 0.00005.
gnomAD v4.1: 63 of 1,613,952 alleles (0.0039%); highest among the groups gnomAD compares: Middle Eastern, 0.016%; no homozygotes.

Submissions (2):

Ambry Genetics
Classification: Uncertain significance for Cardiovascular phenotype. Last evaluated: 2024-04-05. Review status: criteria provided, single submitter. Criteria: Ambry Variant Classification Scheme 2023. Collection method: clinical testing. Allele origin: germline.
Comment: The p.K641R variant (also known as c.1922A>G), located in coding exon 14 of the APOB gene, results from an A to G substitution at nucleotide position 1922. The lysine at codon 641 is replaced by arginine, an amino acid with highly similar properties. This amino acid position is highly conserved in available vertebrate species. In addition, this alteration is predicted to be tolerated by in silico analysis. Based on the available evidence, the clinical significance of this variant remains unclear.

Labcorp Genetics (formerly Invitae), Labcorp
Classification: Likely benign for Familial hypobetalipoproteinemia 1; Hypercholesterolemia, autosomal dominant, type B. Last evaluated: 2024-02-16. Review status: criteria provided, single submitter. Criteria: Invitae Variant Classification Sherloc (09022015). Collection method: clinical testing. Allele origin: germline.